The following is an entry in ClinVar:

NM_002180.3(IGHMBP2):c.449+2del

Gene: IGHMBP2 (immunoglobulin mu DNA binding protein 2; plus strand). Cytogenetic location: 11q13.3.
Variant type: Deletion.
Coding change: c.449+2del on transcript NM_002180.3 (MANE Select); the canonical splice donor site of the intron after coding-DNA position 449, one base deleted (T; older notation c.449+2delT).
Molecular consequence: splice donor variant.
Genome position (GRCh38, 1-based): chr11:68,908,339, T deleted. VCF-style (leftmost placement, unchanged base first): chr11-68908338-GT-G. GRCh37 (hg19) VCF-style: chr11-68675806-GT-G.
Identifiers: ClinVar variation 2946675 (VCV002946675.3), dbSNP rs2495950893, ClinGen allele CA2740093102.

ClinVar aggregate classification (germline): Likely pathogenic (1 of 4 stars; one submission).

Conditions:
Charcot-Marie-Tooth disease axonal type 2S. Also called: CHARCOT-MARIE-TOOTH DISEASE, AXONAL, AUTOSOMAL RECESSIVE, TYPE 2S; CHARCOT-MARIE-TOOTH NEUROPATHY, TYPE 2S. Identifiers: Orphanet 443073, MedGen C4015349, MONDO:0014511, OMIM 616155.
Autosomal recessive distal spinal muscular atrophy 1. Also called: HMN VI; NEURONOPATHY, SEVERE INFANTILE AXONAL, WITH RESPIRATORY FAILURE; SEVERE INFANTILE AXONAL NEUROPATHY WITH RESPIRATORY FAILURE; SPINAL MUSCULAR ATROPHY, DIAPHRAGMATIC; Spinal muscular atrophy with respiratory distress 1; NEURONOPATHY, DISTAL HEREDITARY MOTOR, HARDING TYPE VI. Identifiers: Orphanet 98920, MedGen C1858517, MONDO:0011436, OMIM 604320.

Submission:

Labcorp Genetics (formerly Invitae), Labcorp
Classification: Likely pathogenic for Autosomal recessive distal spinal muscular atrophy 1; Charcot-Marie-Tooth disease axonal type 2S. Last evaluated: 2023-04-13. Review status: criteria provided, single submitter. Criteria: Invitae Variant Classification Sherloc (09022015). Collection method: clinical testing. Allele origin: germline.
Comment: This variant is not present in population databases (gnomAD no frequency). This sequence change affects a splice site in intron 3 of the IGHMBP2 gene. It is expected to disrupt RNA splicing. Variants that disrupt the donor or acceptor splice site typically lead to a loss of protein function (PMID: 16199547), and loss-of-function variants in IGHMBP2 are known to be pathogenic (PMID: 14681881, 25439726, 25568292). This variant has not been reported in the literature in individuals affected with IGHMBP2-related conditions. In summary, the currently available evidence indicates that the variant is pathogenic, but additional data are needed to prove that conclusively. Therefore, this variant has been classified as Likely Pathogenic. Algorithms developed to predict the effect of sequence changes on RNA splicing suggest that this variant may disrupt the consensus splice site.

Literature cited by the submitters: PubMed 16199547; PubMed 14681881; PubMed 25439726; PubMed 25568292.